The following is an entry in ClinVar:

ClinVar aggregate classification (germline): Uncertain significance. Review status: criteria provided, multiple submitters, no conflicts (2 of 4 stars). 3 submissions from 3 submitters: Uncertain significance (3). Last evaluated 2022-05-19.

Allele frequency attached by ClinVar (database versions not stated): ExAC 0.00007; gnomAD exomes 0.00008 and 0.00009; TOPMed 0.00010; gnomAD 0.00012 and 0.00014; ESP Exome Variant Server 0.00015; 1000 Genomes Project 30x 0.00016; 1000 Genomes Project 0.00020.
gnomAD v4.1: 157 of 1,613,934 alleles (0.0097%); highest among the groups gnomAD compares: Non-Finnish European, 0.011%; no homozygotes.

Submissions (3):

Labcorp Genetics (formerly Invitae), Labcorp
Classification: Uncertain significance. Last evaluated: 2022-05-19. Review status: criteria provided, single submitter. Criteria: Invitae Variant Classification Sherloc (09022015). Collection method: clinical testing. Allele origin: germline.
Comment: This sequence change replaces arginine, which is basic and polar, with glutamine, which is neutral and polar, at codon 22 of the RCBTB1 protein (p.Arg22Gln). This variant is present in population databases (rs117345716, gnomAD 0.01%). This variant has not been reported in the literature in individuals affected with RCBTB1-related conditions. Algorithms developed to predict the effect of missense changes on protein structure and function are either unavailable or do not agree on the potential impact of this missense change (SIFT: "Deleterious"; PolyPhen-2: "Benign"; Align-GVGD: "Class C0"). Algorithms developed to predict the effect of sequence changes on RNA splicing suggest that this variant may create or strengthen a splice site. In summary, the available evidence is currently insufficient to determine the role of this variant in disease. Therefore, it has been classified as a Variant of Uncertain Significance.

Blueprint Genetics
Classification: Uncertain significance. Last evaluated: 2022-01-27. Review status: criteria provided, single submitter. Criteria: ACMG Guidelines, 2015. Collection method: clinical testing. Allele origin: germline.

Ambry Genetics
Classification: Uncertain significance. Last evaluated: 2021-09-01. Review status: criteria provided, single submitter. Criteria: Ambry Variant Classification Scheme 2023. Collection method: clinical testing. Allele origin: germline.

NM_018191.4(RCBTB1):c.65G>A (p.Arg22Gln)

Gene: RCBTB1 (RCC1 and BTB domain containing protein 1; minus strand). Cytogenetic location: 13q14.2.
Variant type: single nucleotide variant.
Coding change: c.65G>A on transcript NM_018191.4 (MANE Select); coding-DNA position 65, G replaced by A.
Protein change: p.Arg22Gln; replaces arginine 22 with glutamine.
Molecular consequence: missense variant. On other transcripts: 5 prime UTR variant (1), non-coding transcript variant (2).
Genome position (GRCh38, 1-based): chr13:49,567,215, C>T on the plus strand (G>A on the coding strand, the complement: RCBTB1 is on the minus strand). VCF-style: chr13-49567215-C-T. GRCh37 (hg19) VCF-style: chr13-50141351-C-T.
Other names: c.65G>A (NM_018191.3); c.65G>A, p.Arg22Gln (NM_001352500.2, NM_001352501.2, NM_001352502.2 and 3 more transcripts); c.-545G>A (NM_001352506.2); short protein forms R22Q.
Identifiers: ClinVar variation 1393256 (VCV001393256.7), dbSNP rs117345716, ClinGen allele CA6983030.